The following is an entry in ClinVar:

NM_000057.4(BLM):c.874G>T (p.Asp292Tyr)

Gene: BLM (BLM RecQ like helicase; plus strand). Cytogenetic location: 15q26.1.
Variant type: single nucleotide variant.
Coding change: c.874G>T on transcript NM_000057.4 (MANE Select); coding-DNA position 874, G replaced by T.
Protein change: p.Asp292Tyr; replaces aspartic acid 292 with tyrosine.
Molecular consequence: missense variant. On other transcripts: 5 prime UTR variant (1).
Genome position (GRCh38, 1-based): chr15:90,751,861, G>T. VCF-style: chr15-90751861-G-T. GRCh37 (hg19) VCF-style: chr15-91295091-G-T.
Other names: c.874G>T, p.Asp292Tyr (NM_001287246.2, NM_001287247.2); c.-418G>T (NM_001287248.2); short protein forms D292Y.
Identifiers: ClinVar variation 3824469 (VCV003824469.1).
Genomic context (GRCh38, chr15:90,751,861, plus strand): 5'-AAGAAGAATTTGGAAGAAGCTGAATTACATTCAACTGAGAAAGTTCCATGTATTGAATTT[G>T]ATGATGATGATTATGATACGGATTTTGTTCCACCTTCTCCAGAAGAAATTATTTCTGCTT-3'
Protein context (NP_000048.1, residues 282-302): STEKVPCIEF[Asp292Tyr]DDDYDTDFVP

ClinVar aggregate classification (germline): Uncertain significance (1 of 4 stars; one submission).

Conditions:
Hereditary cancer-predisposing syndrome. Also called: Hereditary neoplastic syndrome; Neoplastic Syndromes, Hereditary; Tumor predisposition; Hereditary Cancer Syndrome. Identifiers: Orphanet 140162, MedGen C0027672, MeSH D009386, MONDO:0015356.

Submission:

Ambry Genetics
Classification: Uncertain significance for Hereditary cancer-predisposing syndrome. Last evaluated: 2025-02-15. Review status: criteria provided, single submitter. Criteria: Ambry Variant Classification Scheme 2023. Collection method: clinical testing. Allele origin: germline.
Comment: The p.D292Y variant (also known as c.874G>T), located in coding exon 3 of the BLM gene, results from a G to T substitution at nucleotide position 874. The aspartic acid at codon 292 is replaced by tyrosine, an amino acid with highly dissimilar properties. This amino acid position is conserved. In addition, this alteration is predicted to be tolerated by in silico analysis. Based on the available evidence, the clinical significance of this variant remains unclear.